The following is an entry in ClinVar:

ClinVar aggregate classification (germline): Uncertain significance (1 of 4 stars; one submission).

Conditions:
SCAPER-related disorder. Also called: SCAPER-related condition.

gnomAD v4.1: 6 of 1,613,860 alleles (0.00037%); highest among the groups gnomAD compares: Admixed American, 0.0017%; no homozygotes.

Submission:

PreventionGenetics, part of Exact Sciences
Classification: Uncertain significance for SCAPER-related condition. Last evaluated: 2025-04-24. Review status: criteria provided, single submitter. Criteria: ACMG Guidelines, 2015. Collection method: clinical testing. Allele origin: germline.
Comment: The SCAPER c.3244G>A variant is predicted to result in the amino acid substitution p.Ala1082Thr. To our knowledge, this variant has not been reported in the literature. This variant is reported in 0.011% of alleles in individuals of African descent in gnomAD. At this time, the clinical significance of this variant is uncertain due to the absence of conclusive functional and genetic evidence.

NM_020843.4(SCAPER):c.3226G>A (p.Ala1076Thr)

Genes: SCAPER (S-phase cyclin A associated protein in the ER; minus strand), LOC126862183 (BRD4-independent group 4 enhancer GRCh37_chr15:76726060-76727259; plus strand). Cytogenetic location: 15q24.3.
Variant type: single nucleotide variant.
Coding change: c.3226G>A on transcript NM_020843.4 (MANE Select); coding-DNA position 3226, G replaced by A.
Protein change: p.Ala1076Thr; replaces alanine 1076 with threonine.
Molecular consequence: missense variant. On other transcripts: non-coding transcript variant (1).
Genome position (GRCh38, 1-based): chr15:76,434,163, C>T on the plus strand (G>A on the coding strand, the complement: SCAPER is on the minus strand). VCF-style: chr15-76434163-C-T. GRCh37 (hg19) VCF-style: chr15-76726504-C-T.
Other names: c.2488G>A, p.Ala830Thr (NM_001145923.2); c.3244G>A, p.Ala1082Thr (NM_001353009.2); c.2824G>A, p.Ala942Thr (NM_001353010.2, NM_001353012.2); c.2842G>A, p.Ala948Thr (NM_001353011.2); short protein forms A942T, A830T, A1076T, A1082T, A948T.
Identifiers: ClinVar variation 4985268 (VCV004985268.1).
Genomic context (GRCh38, chr15:76,434,163, plus strand): 5'-TAAAAGGATCACCTTGTGAGGGTTTGTTTTTCATTTCCTGTGTTGGTATTTTTGGGGTAG[C>T]TGGCTGGCAGTTTCCATCTGGTCGATTGGCAATCAGGCAGCCCAAAACCACAGCACTGAC-3'
Protein context (NP_065894.2, residues 1066-1086): ANRPDGNCQP[Ala1076Thr]TPKIPTQEMK